The following is an entry in ClinVar:

NM_001369.3(DNAH5):c.10030del (p.Ser3344fs)

Gene: DNAH5 (dynein axonemal heavy chain 5; minus strand). Cytogenetic location: 5p15.2.
Variant type: Deletion.
Coding change: c.10030del on transcript NM_001369.3 (MANE Select); coding-DNA position 10030, one base deleted (A; older notation c.10030delA).
Protein change: p.Ser3344fs; shifts the reading frame from serine 3344.
Molecular consequence: frameshift variant.
Genome position (GRCh38, 1-based): chr5:13,766,047, T deleted on the plus strand (A on the coding strand, the reverse complement: DNAH5 is on the minus strand); the first of 6 consecutive T bases (chr5:13,766,047-13,766,052); deleting any one gives the same sequence. VCF-style (leftmost placement, unchanged base first): chr5-13766046-CT-C. GRCh37 (hg19) VCF-style: chr5-13766155-CT-C.
Other names: short protein forms S3344fs.
Identifiers: ClinVar variation 1725588 (VCV001725588.2), dbSNP rs1307200375, ClinGen allele CA557869368.
Genomic context (GRCh38, chr5:13,766,046, plus strand): 5'-TGTAAAAAGTTCCCTGCAGTCATCAATTTTAAGGATTCCTGCCAGGAGGGCATGGTACAG[CT>C]TTTTTCCAGGTCAATTTTCACAGCACTGACTTTCCTTTGAAACAGCAGCAGTACGCAATC-3'

ClinVar aggregate classification (germline): Likely pathogenic (1 of 4 stars; one submission).

Conditions:
Primary ciliary dyskinesia 3. Identifiers: Orphanet 244, MedGen C1837618, MONDO:0012085, OMIM 608644.

Submission:

Myriad Genetics, Inc.
Classification: Likely pathogenic for Primary ciliary dyskinesia 3. Last evaluated: 2022-03-30. Review status: criteria provided, single submitter. Criteria: Myriad Women's Health Autosomal Recessive and X-Linked Classification Criteria (2021). Collection method: clinical testing. Allele origin: unknown.
Comment: NM_001369.2(DNAH5):c.10030delA(S3344Afs*11) is expected to be pathogenic in the context of DNAH5-related primary ciliary dyskinesia. This variant is predicted to lead to an abnormal or absent protein product due to the creation of a premature termination codon in DNAH5, a gene where loss-of-function variants are known to be pathogenic. Please note: this variant was assessed in the context of healthy population screening.